The following is an entry in ClinVar:

NM_030662.4(MAP2K2):c.1111C>T (p.Arg371Trp)

Gene: MAP2K2 (mitogen-activated protein kinase kinase 2; minus strand). Cytogenetic location: 19p13.3.
Variant type: single nucleotide variant.
Coding change: c.1111C>T on transcript NM_030662.4 (MANE Select); coding-DNA position 1111, C replaced by T.
Protein change: p.Arg371Trp; replaces arginine 371 with tryptophan.
Molecular consequence: missense variant.
Genome position (GRCh38, 1-based): chr19:4,090,690, G>A on the plus strand (C>T on the coding strand, the complement: MAP2K2 is on the minus strand). VCF-style: chr19-4090690-G-A. GRCh37 (hg19) VCF-style: chr19-4090688-G-A.
Other names: short protein forms R371W.
Identifiers: ClinVar variation 572410 (VCV000572410.48), dbSNP rs1003521922, ClinGen allele CA304445720.

ClinVar aggregate classification (germline): Uncertain significance. Review status: criteria provided, multiple submitters, no conflicts (2 of 4 stars). 4 submissions from 4 submitters: Uncertain significance (4). Last evaluated 2026-01-11.

Conditions:
Cardiovascular phenotype. Identifiers: MedGen CN230736.
Cardiofaciocutaneous syndrome 4 (CFC4). Also called: MAP2K2-Related Cardiofaciocutaneous Syndrome. Identifiers: Orphanet 1340, MedGen C3809007, MONDO:0014114, OMIM 615280.
RASopathy. Also called: rasopathies; Noonan spectrum disorder. Identifiers: Orphanet 536391, MedGen C5555857, MONDO:0021060.

Allele frequency attached by ClinVar (database versions not stated): TOPMed 0.00001; gnomAD exomes 0.00002.

Submissions (4):

Labcorp Genetics (formerly Invitae), Labcorp
Classification: Uncertain significance for RASopathy. Last evaluated: 2026-01-11. Review status: criteria provided, single submitter. Criteria: Invitae Variant Classification Sherloc (09022015). Collection method: clinical testing. Allele origin: germline.
Comment: This sequence change replaces arginine, which is basic and polar, with tryptophan, which is neutral and slightly polar, at codon 371 of the MAP2K2 protein (p.Arg371Trp). The frequency data for this variant in the population databases is considered unreliable, as metrics indicate poor data quality at this position in the gnomAD database. This variant has not been reported in the literature in individuals affected with MAP2K2-related conditions. ClinVar contains an entry for this variant (Variation ID: 572410). Invitae Evidence Modeling incorporating data from in vitro experimental studies (internal data) indicates that this missense variant is not expected to disrupt MAP2K2 function with a negative predictive value of 95%. In summary, the available evidence is currently insufficient to determine the role of this variant in disease. Therefore, it has been classified as a Variant of Uncertain Significance.

Fulgent Genetics
Classification: Uncertain significance for Cardiofaciocutaneous syndrome 4. Last evaluated: 2024-06-11. Review status: criteria provided, single submitter. Criteria: ACMG Guidelines, 2015. Collection method: clinical testing. Allele origin: germline.

Ambry Genetics
Classification: Uncertain significance for Cardiovascular phenotype. Last evaluated: 2023-11-01. Review status: criteria provided, single submitter. Criteria: Ambry Variant Classification Scheme 2023. Collection method: clinical testing. Allele origin: germline.
Comment: The p.R371W variant (also known as c.1111C>T), located in coding exon 11 of the MAP2K2 gene, results from a C to T substitution at nucleotide position 1111. The arginine at codon 371 is replaced by tryptophan, an amino acid with dissimilar properties. This amino acid position is conserved. In addition, the in silico prediction for this alteration is inconclusive. Since supporting evidence is limited at this time, the clinical significance of this alteration remains unclear.

CeGaT Center for Human Genetics Tuebingen
Classification: Uncertain significance. Last evaluated: 2020-04-01. Review status: criteria provided, single submitter. Criteria: CeGaT Center For Human Genetics Tuebingen Variant Classification Criteria Version 2. Collection method: clinical testing. Allele origin: germline. Affected: yes. Observed: 1 variant allele.